The following is an entry in ClinVar:

NM_006017.3(PROM1):c.338G>A (p.Cys113Tyr)

Gene: PROM1 (prominin 1; minus strand). Cytogenetic location: 4p15.32.
Variant type: single nucleotide variant.
Coding change: c.338G>A on transcript NM_006017.3 (MANE Select); coding-DNA position 338, G replaced by A.
Protein change: p.Cys113Tyr; replaces cysteine 113 with tyrosine.
Molecular consequence: missense variant.
Genome position (GRCh38, 1-based): chr4:16,033,475, C>T on the plus strand (G>A on the coding strand, the complement: PROM1 is on the minus strand). VCF-style: chr4-16033475-C-T. GRCh37 (hg19) VCF-style: chr4-16035098-C-T.
Other names: c.311G>A, p.Cys104Tyr (NM_001145848.2, NM_001145851.2, NM_001145852.2 and 4 more transcripts); c.338G>A, p.Cys113Tyr (NM_001145849.2, NM_001145850.2); short protein forms C113Y, C104Y.
Identifiers: ClinVar variation 3709899 (VCV003709899.2).
Genomic context (GRCh38, chr4:16,033,475, plus strand): 5'-CACATACAAAAGAAATACCCCACCAGAGGCATCAGAATAATAAACAGCAGCCCCAGGACA[C>T]AGCATAGAATAATCCCTGCTTCATAGTAGACAATCTGCAATTCAAACAAAAGAAACAGCA-3'
Protein context (NP_006008.1, residues 103-123): VYYEAGIILC[Cys113Tyr]VLGLLFIILM

ClinVar aggregate classification (germline): Uncertain significance (1 of 4 stars; one submission).

gnomAD v4.1: 8 of 1,610,014 alleles (0.0005%); highest among the groups gnomAD compares: Non-Finnish European, 0.00059%; no homozygotes.

Submission:

Labcorp Genetics (formerly Invitae), Labcorp
Classification: Uncertain significance. Last evaluated: 2025-08-31. Review status: criteria provided, single submitter. Criteria: Invitae Variant Classification Sherloc (09022015). Collection method: clinical testing. Allele origin: germline.
Comment: This sequence change replaces cysteine, which is neutral and slightly polar, with tyrosine, which is neutral and polar, at codon 113 of the PROM1 protein (p.Cys113Tyr). This variant is present in population databases (rs376789817, gnomAD 0.002%). This variant has not been reported in the literature in individuals affected with PROM1-related conditions. ClinVar contains an entry for this variant (Variation ID: 3709899). Invitae Evidence Modeling of protein sequence and biophysical properties (such as structural, functional, and spatial information, amino acid conservation, physicochemical variation, residue mobility, and thermodynamic stability) indicates that this missense variant is not expected to disrupt PROM1 protein function with a negative predictive value of 80%. In summary, the available evidence is currently insufficient to determine the role of this variant in disease. Therefore, it has been classified as a Variant of Uncertain Significance.